The following is an entry in ClinVar:

NM_003560.4(PLA2G6):c.419TCA[1] (p.Ile141del)

Gene: PLA2G6 (phospholipase A2 group VI; minus strand). Cytogenetic location: 22q13.1.
Variant type: Microsatellite.
Coding change: c.419TCA[1] on transcript NM_003560.4 (MANE Select); one copy of the 3-base unit TCA starting at c.419; the reference has two copies in a row; one copy, 3 bases deleted.
Protein change: p.Ile141del; deletes isoleucine 141.
Molecular consequence: inframe deletion. On other transcripts: 5 prime UTR variant (3).
Genome position (GRCh38, 1-based): chr22:38,145,439-38,145,441, TGA deleted on the plus strand (TCA on the coding strand, the reverse complement: PLA2G6 is on the minus strand); deleting any 3 consecutive bases within chr22:38,145,439-38,145,445 gives the same sequence; the position shown is the placement nearest the transcript's 3' end. VCF-style (leftmost placement, unchanged base first): chr22-38145438-CTGA-C. GRCh37 (hg19) VCF-style: chr22-38541445-CTGA-C.
Other names: c.419TCA[1], p.Ile141del (NM_001004426.3, NM_001199562.3, NM_001349864.2 and 2 more transcripts); c.-116TCA[1] (NM_001349867.2, NM_001349869.2); c.-72TCA[1] (NM_001349868.2); short protein forms I141del.
Identifiers: ClinVar variation 1878285 (VCV001878285.6), dbSNP rs2518067842, ClinGen allele CA2580615308.

ClinVar aggregate classification (germline): Uncertain significance. Review status: criteria provided, multiple submitters, no conflicts (2 of 4 stars). 2 submissions from 2 submitters: Uncertain significance (2). Last evaluated 2022-12-12.

Conditions:
Infantile neuroaxonal dystrophy (NBIA2A). Also called: NEURODEGENERATION WITH BRAIN IRON ACCUMULATION 2A; SEITELBERGER DISEASE; Infantile neuroaxonal dystrophy 1. Identifiers: Orphanet 35069, MedGen C0270724, MONDO:0024457, OMIM 256600.

Submissions (2):

Women's Health and Genetics/Laboratory Corporation of America, LabCorp
Classification: Uncertain significance. Last evaluated: 2022-12-12. Review status: criteria provided, single submitter. Criteria: LabCorp Variant Classification Summary - May 2015. Collection method: clinical testing. Allele origin: germline.
Comment: Variant summary: PLA2G6 c.422_424delTCA (p.Ile141del) results in an in-frame deletion that is predicted to remove one amino acid from the encoded protein. 4/4 computational tools predict no significant impact on normal splicing. However, these predictions have yet to be confirmed by functional studies. The variant was absent in 235822 control chromosomes (gnomAD). The available data on variant occurrences in the general population are insufficient to allow any conclusion about variant significance. To our knowledge, no occurrence of c.422_424delTCA in individuals affected with Neurodegeneration with Brain Iron Accumulation and no experimental evidence demonstrating its impact on protein function have been reported. No clinical diagnostic laboratories have submitted clinical-significance assessments for this variant to ClinVar after 2014. Based on the evidence outlined above, the variant was classified as uncertain significance.

Labcorp Genetics (formerly Invitae), Labcorp
Classification: Uncertain significance for Infantile neuroaxonal dystrophy. Last evaluated: 2022-08-07. Review status: criteria provided, single submitter. Criteria: Invitae Variant Classification Sherloc (09022015). Collection method: clinical testing. Allele origin: germline.
Comment: This variant has not been reported in the literature in individuals affected with PLA2G6-related conditions. In summary, the available evidence is currently insufficient to determine the role of this variant in disease. Therefore, it has been classified as a Variant of Uncertain Significance. Experimental studies and prediction algorithms are not available or were not evaluated, and the functional significance of this variant is currently unknown. This variant is not present in population databases (gnomAD no frequency). This variant, c.422_424del, results in the deletion of 1 amino acid(s) of the PLA2G6 protein (p.Ile141del), but otherwise preserves the integrity of the reading frame.